The following is an entry in ClinVar:

ClinVar aggregate classification (germline): Likely benign. Review status: criteria provided, multiple submitters, no conflicts (2 of 4 stars). 4 submissions from 4 submitters: Likely benign (3). 1 of the submissions does not count toward it. Last evaluated 2025-07-24.

Conditions:
RIT1-related disorder. Also called: RIT1-related condition.

Submissions (4):

Molecular Diagnostic Laboratory for Inherited Cardiovascular Disease, Montreal Heart Institute
Classification: Likely benign. Last evaluated: 2025-07-24. Review status: criteria provided, single submitter. Criteria: ACMG Guidelines, 2015. Collection method: clinical testing. Allele origin: germline. Affected: no.
Comment: BS1

Blueprint Genetics
Classification: Likely benign. Last evaluated: 2024-11-21. Review status: criteria provided, single submitter. Criteria: ACMG Guidelines, 2015. Collection method: clinical testing. Allele origin: germline.

Women's Health and Genetics/Laboratory Corporation of America, LabCorp
Classification: Likely benign. Last evaluated: 2024-10-07. Review status: criteria provided, single submitter. Criteria: LabCorp Variant Classification Summary - May 2015. Collection method: clinical testing. Allele origin: germline.
Comment: Variant summary: RIT1 c.-43-106_-43-88del19 is located in the untranslated mRNA region upstream of the initiation codon. Consensus agreement among computation tools predict no significant impact on normal splicing. However, these predictions have yet to be confirmed by functional studies. The variant allele was found at a frequency of 0.00015 in 1562500 control chromosomes, predominantly at a frequency of 0.00026 within the South Asian subpopulation in the gnomAD database. The observed variant frequency within South Asian control individuals in the gnomAD database is approximately 20-fold of the estimated maximal expected allele frequency for a pathogenic variant in RIT1 causing Noonan Syndrome phenotype (1.3e-05). To our knowledge, no occurrence of c.-43-106_-43-88del19 in individuals affected with Noonan Syndrome and no experimental evidence demonstrating its impact on protein function have been reported. ClinVar contains an entry for this variant (Variation ID: 3058211). Based on the evidence outlined above, the variant was classified as likely benign.

PreventionGenetics, part of Exact Sciences
Classification: Likely benign for RIT1-related condition. Last evaluated: 2020-10-21. Review status: no assertion criteria provided. Collection method: clinical testing. Allele origin: germline. Not counted in ClinVar's aggregate classification.
Comment: This variant is classified as likely benign based on ACMG/AMP sequence variant interpretation guidelines (Richards et al. 2015 PMID: 25741868, with internal and published modifications).

NM_006912.6(RIT1):c.-43-106_-43-88del

Gene: RIT1 (Ras like without CAAX 1; minus strand). Cytogenetic location: 1q22.
Variant type: Deletion.
Coding change: c.-43-106_-43-88del on transcript NM_006912.6 (MANE Select); 106 bases into the intron before 43 bases upstream of the start codon through 88 bases into the intron before 43 bases upstream of the start codon, 19 bases deleted (GTAAGAGGGACAGGCCAGA).
Molecular consequence: intron variant.
Genome position (GRCh38, 1-based): chr1:155,910,892-155,910,910, TCTGGCCTGTCCCTCTTAC deleted on the plus strand (GTAAGAGGGACAGGCCAGA on the coding strand, the reverse complement: RIT1 is on the minus strand); deleting any 19 consecutive bases within chr1:155,910,892-155,910,927 gives the same sequence; the c. name uses the placement nearest the transcript's 3' end. VCF-style (leftmost placement, unchanged base first): chr1-155910891-TTCTGGCCTGTCCCTCTTAC-T. GRCh37 (hg19) VCF-style: chr1-155880682-TTCTGGCCTGTCCCTCTTAC-T.
Other names: c.-43-106_-43-88del19 (NM_006912.6); c.-3+333_-3+351del (NM_001256820.2).
Identifiers: ClinVar variation 3058211 (VCV003058211.4), dbSNP rs769354873, ClinGen allele CA1151938.